The following is an entry in ClinVar:

ClinVar aggregate classification (germline): Uncertain significance (1 of 4 stars; one submission).

Conditions:
Hereditary cancer-predisposing syndrome. Also called: Neoplastic Syndromes, Hereditary; Hereditary neoplastic syndrome; Tumor predisposition; Hereditary Cancer Syndrome. Identifiers: Orphanet 140162, MedGen C0027672, MeSH D009386, MONDO:0015356.

Submission:

Color Diagnostics, LLC DBA Color Health
Classification: Uncertain significance for Hereditary cancer-predisposing syndrome. Last evaluated: 2025-07-28. Review status: criteria provided, single submitter. Criteria: ACMG Guidelines, 2015. Collection method: clinical testing. Allele origin: germline.
Comment: This missense variant replaces lysine with arginine at codon 1045 of the MSH6 protein. Computational prediction suggests that this variant may not impact protein structure and function. To our knowledge, functional studies have not been reported for this variant. This variant has not been reported in individuals affected with MSH6-related disorders in the literature. This variant has not been identified in the general population by the Genome Aggregation Database (gnomAD). The available evidence is insufficient to determine the role of this variant in disease conclusively. Therefore, this variant is classified as a Variant of Uncertain Significance.

NM_000179.3(MSH6):c.3134A>G (p.Lys1045Arg)

Gene: MSH6 (mutS homolog 6; plus strand). Cytogenetic location: 2p16.3.
Variant type: single nucleotide variant.
Coding change: c.3134A>G on transcript NM_000179.3 (MANE Select); coding-DNA position 3134, A replaced by G.
Protein change: p.Lys1045Arg; replaces lysine 1045 with arginine.
Molecular consequence: missense variant. On other transcripts: non-coding transcript variant (5), intron variant (2).
Genome position (GRCh38, 1-based): chr2:47,801,117, A>G. VCF-style: chr2-47801117-A-G. GRCh37 (hg19) VCF-style: chr2-48028256-A-G.
Other names: c.2744A>G, p.Lys915Arg (NM_001281492.2); c.2228A>G, p.Lys743Arg (NM_001281493.2, NM_001281494.2, NM_001406811.1 and 6 more transcripts); c.3230A>G, p.Lys1077Arg (NM_001406795.1, NM_001406802.1); c.3134A>G, p.Lys1045Arg (NM_001406796.1, NM_001406798.1, NM_001406800.1 and 2 more transcripts); c.2837A>G, p.Lys946Arg (NM_001406797.1, NM_001406801.1, NM_001406805.1 and 10 more transcripts); c.2609A>G, p.Lys870Arg (NM_001406799.1, NM_001406806.1, NM_001406807.1); c.3056A>G, p.Lys1019Arg (NM_001406804.1); c.3140A>G, p.Lys1047Arg (NM_001406813.1); and 4 more; short protein forms K989R, K1019R, K1045R, K1047R, K1077R, K360R, K743R, K870R.
Identifiers: ClinVar variation 4758978 (VCV004758978.1).
Genomic context (GRCh38, chr2:47,801,117, plus strand): 5'-GGGATGTATCATTGAAGGACTGCATGCGGCGACTGTTCTATAACTTTGATAAAAATTACA[A>G]GGACTGGCAGTCTGCTGTAGAGTGTATCGCAGTGTTGGGTAAGACTTTGAACAAGCTTGT-3'
Protein context (NP_000170.1, residues 1035-1055): RLFYNFDKNY[Lys1045Arg]DWQSAVECIA